The following is an entry in ClinVar:

NM_002769.5(PRSS1):c.675G>T (p.Lys225Asn)

Genes: TRB (T cell receptor beta locus; plus strand), PRSS1 (serine protease 1; plus strand). Cytogenetic location: 7q34.
Variant type: single nucleotide variant.
Coding change: c.675G>T on transcript NM_002769.5 (MANE Select); coding-DNA position 675, G replaced by T.
Protein change: p.Lys225Asn; replaces lysine 225 with asparagine.
Molecular consequence: missense variant. On other transcripts: non-coding transcript variant (5).
Genome position (GRCh38, 1-based): chr7:142,752,951, G>T. VCF-style: chr7-142752951-G-T. GRCh37 (hg19) VCF-style: chr7-142460802-G-T.
Other names: short protein forms K225N.
Identifiers: ClinVar variation 3426292 (VCV003426292.1).

ClinVar aggregate classification (germline): Uncertain significance (1 of 4 stars; one submission).

Conditions:
Hereditary pancreatitis (PCTT). Also called: Hereditary chronic pancreatitis; PRSS1-Related Hereditary Pancreatitis. Identifiers: Orphanet 676, MedGen C0238339, MONDO:0008185, OMIM 167800.

gnomAD v4.1: 8 of 1,613,108 alleles (0.0005%); highest among the groups gnomAD compares: South Asian, 0.0022%; no homozygotes.

Submission:

Ambry Genetics
Classification: Uncertain significance for Hereditary pancreatitis. Last evaluated: 2024-10-19. Review status: criteria provided, single submitter. Criteria: Ambry Variant Classification Scheme 2023. Collection method: clinical testing. Allele origin: germline.
Comment: The p.K225N variant (also known as c.675G>T), located in coding exon 5 of the PRSS1 gene, results from a G to T substitution at nucleotide position 675. The lysine at codon 225 is replaced by asparagine, an amino acid with similar properties. This amino acid position is conserved. In addition, this alteration is predicted to be tolerated by in silico analysis. Based on the available evidence, the clinical significance of this variant remains unclear.